The following is an entry in ClinVar:

NM_001261826.3(AP3D1):c.1432A>T (p.Ile478Phe)

Gene: AP3D1 (adaptor related protein complex 3 subunit delta 1; minus strand). Cytogenetic location: 19p13.3.
Variant type: single nucleotide variant.
Coding change: c.1432A>T on transcript NM_001261826.3 (MANE Select); coding-DNA position 1432, A replaced by T.
Protein change: p.Ile478Phe; replaces isoleucine 478 with phenylalanine.
Molecular consequence: missense variant.
Genome position (GRCh38, 1-based): chr19:2,120,911, T>A on the plus strand (A>T on the coding strand, the complement: AP3D1 is on the minus strand). VCF-style: chr19-2120911-T-A. GRCh37 (hg19) VCF-style: chr19-2120910-T-A.
Other names: c.1432A>T, p.Ile478Phe (NM_001374799.1, NM_003938.8); short protein forms I478F.
Identifiers: ClinVar variation 2096725 (VCV002096725.4), dbSNP rs956993821, ClinGen allele CA304163071.
Genomic context (GRCh38, chr19:2,120,911, plus strand): 5'-CGCCCACTCACTCTGAGAACTCCCCGCAGATCCAGGCGGCAGCGTACAGCACCTCACAGA[T>A]CCCGTTCCGCTGGGTGCTGCTGGCCAGCAGGTGTGCACTGTCAAGCAGCGCAGACATCTG-3'
Protein context (NP_001248755.1, residues 468-488): LLASSTQRNG[Ile478Phe]CEVLYAAAWI

ClinVar aggregate classification (germline): Uncertain significance (1 of 4 stars; one submission).

Allele frequency attached by ClinVar (database versions not stated): TOPMed 0.00001.

Submission:

Labcorp Genetics (formerly Invitae), Labcorp
Classification: Uncertain significance. Last evaluated: 2022-09-27. Review status: criteria provided, single submitter. Criteria: Invitae Variant Classification Sherloc (09022015). Collection method: clinical testing. Allele origin: germline.
Comment: This sequence change replaces isoleucine, which is neutral and non-polar, with phenylalanine, which is neutral and non-polar, at codon 478 of the AP3D1 protein (p.Ile478Phe). In summary, the available evidence is currently insufficient to determine the role of this variant in disease. Therefore, it has been classified as a Variant of Uncertain Significance. Algorithms developed to predict the effect of missense changes on protein structure and function are either unavailable or do not agree on the potential impact of this missense change (SIFT: "Tolerated"; PolyPhen-2: "Possibly Damaging"; Align-GVGD: "Class C0"). This variant has not been reported in the literature in individuals affected with AP3D1-related conditions. This variant is not present in population databases (gnomAD no frequency).